The following is an entry in ClinVar:

NM_017617.5(NOTCH1):c.3948C>A (p.Cys1316Ter)

Gene: NOTCH1 (notch receptor 1; minus strand). Cytogenetic location: 9q34.3.
Variant type: single nucleotide variant.
Coding change: c.3948C>A on transcript NM_017617.5 (MANE Select); coding-DNA position 3948, C replaced by A.
Protein change: p.Cys1316Ter; replaces cysteine 1316 with a stop codon.
Molecular consequence: nonsense.
Genome position (GRCh38, 1-based): chr9:136,506,593, G>T on the plus strand (C>A on the coding strand, the complement: NOTCH1 is on the minus strand). VCF-style: chr9-136506593-G-T. GRCh37 (hg19) VCF-style: chr9-139401045-G-T.
Other names: short protein forms C1316*.
Identifiers: ClinVar variation 3775381 (VCV003775381.1).
Genomic context (GRCh38, chr9:136,506,593, plus strand): 5'-GCACTTGCAGATGAACCCGCGGGCGGTGTTGGAGGCCACGGCGCAGGTGCCCCCATTCTT[G>T]CAGGGCTTGCCTTTGCAGCCATTGATGACGGACTCGCAGCGGCGCCCTAGGGGTAAGAGC-3'

ClinVar aggregate classification (germline): Likely pathogenic (1 of 4 stars; one submission).

Conditions:
Aortic valve disease 1 (AOVD1). Identifiers: MedGen C3887892, MONDO:0024523, OMIM 109730.

Submission:

3billion
Classification: Likely pathogenic for Aortic valve disease 1. Last evaluated: 2023-12-03. Review status: criteria provided, single submitter. Criteria: ACMG Guidelines, 2015. Collection method: clinical testing. Allele origin: germline. Affected: yes.
Comment: The variant is not observed in the gnomAD v2.1.1 dataset. Predicted Consequence/Location: Stop-gained (nonsense): predicted to result in a loss or disruption of normal protein function through nonsense-mediated decay (NMD) or protein truncation. Multiple pathogenic variants are reported downstream of the variant. Therefore, this variant is classified as Likely pathogenic according to the recommendation of ACMG/AMP guideline.